The following is an entry in ClinVar:

ClinVar aggregate classification (germline): Likely pathogenic (1 of 4 stars; one submission).

Conditions:
Acute lymphoid leukemia (ALL). Also called: Acute lymphoblastic leukemia; Acute lymphocytic leukemia; Leukemia, acute lymphoblastic, somatic; Lymphoblastic leukemia. Identifiers: Orphanet 513, MedGen C0023449, MONDO:0004967, OMIM 613065, HP:0006721.

Submission:

Genomic Diagnostics Laboratory, National Institute of Medical Genomics
Classification: Likely pathogenic for Acute lymphoid leukemia. Last evaluated: 2023-10-20. Review status: criteria provided, single submitter. Criteria: ACMG Guidelines, 2015. Collection method: clinical testing. Allele origin: germline. Inheritance: Autosomal dominant inheritance. Affected: yes. Observed: 2 heterozygotes.
Comment: The p.Ala322LeufsTer11 variant in PAX5 has not ever been reported in inherited leukemia. This variant was absent from large population studies. This variant is located in trans-activation domain and other variants have been reported in the same position in somatic analyisis from leukemia patients and other types of cancer. In summary, this variant meets ACMG guidelines (PVS1, PMS2 and PP1) for likely pathogenic classification.

NM_016734.3(PAX5):c.963del (p.Ala322fs)

Gene: PAX5 (paired box 5; minus strand). Cytogenetic location: 9p13.2.
Variant type: Deletion.
Coding change: c.963del on transcript NM_016734.3 (MANE Select); coding-DNA position 963, one base deleted (C; older notation c.963delC).
Protein change: p.Ala322fs; shifts the reading frame from alanine 322.
Molecular consequence: frameshift variant. On other transcripts: non-coding transcript variant (2), intron variant (6).
Genome position (GRCh38, 1-based): chr9:36,882,053, G deleted on the plus strand (C on the coding strand, the reverse complement: PAX5 is on the minus strand); the first of 7 consecutive G bases (chr9:36,882,053-36,882,059); deleting any one gives the same sequence. VCF-style (leftmost placement, unchanged base first): chr9-36882052-CG-C. GRCh37 (hg19) VCF-style: chr9-36882049-CG-C.
Other names: c.963del, p.Ala322fs (NM_001280548.2); c.834del, p.Ala279fs (NM_001280553.2, NM_001280554.2); c.639del, p.Ala214fs (NM_001280556.2); c.586+41302del (NM_001280551.2); c.713-35124del (NM_001280555.2); c.781-41417del (NM_001280550.2); c.781-35124del (NM_001280549.2); c.910+41302del (NM_001280552.2); and 1 more; short protein forms A214fs, A279fs, A322fs.
Identifiers: ClinVar variation 2637935 (VCV002637935.2), dbSNP rs780753361, ClinGen allele CA465036574.
Genomic context (GRCh38, chr9:36,882,052, plus strand): 5'-GTGCAAACTCACCAGGCACCATCCCTGTCAGCGTCGGTGCTGAGTAGCTGCCCTGTCCAG[CG>C]GGGGGGACGTGTGGAGGGTACCCGGGGAGGGTCGTGCTCGCCAAGTCACGGCCTGAGGAA-3'